The following is an entry in ClinVar:

ClinVar aggregate classification (germline): Uncertain significance (1 of 4 stars; one submission).

Conditions:
Pitt-Hopkins-like syndrome 2 (PTHSL2). Identifiers: Orphanet 221150, Orphanet 600663, MedGen C3280479, MONDO:0013690, OMIM 614325.

Submission:

Labcorp Genetics (formerly Invitae), Labcorp
Classification: Uncertain significance for Pitt-Hopkins-like syndrome 2. Last evaluated: 2025-06-12. Review status: criteria provided, single submitter. Criteria: Invitae Variant Classification Sherloc (09022015). Collection method: clinical testing. Allele origin: germline.
Comment: This sequence change replaces aspartic acid, which is acidic and polar, with valine, which is neutral and non-polar, at codon 587 of the NRXN1 protein (p.Asp587Val). This variant is not present in population databases (gnomAD no frequency). This variant has not been reported in the literature in individuals affected with NRXN1-related conditions. An algorithm developed to predict the effect of missense changes on protein structure and function (PolyPhen-2) suggests that this variant is likely to be disruptive. In summary, the available evidence is currently insufficient to determine the role of this variant in disease. Therefore, it has been classified as a Variant of Uncertain Significance.

NM_001330078.2(NRXN1):c.1640A>T (p.Asp547Val)

Gene: NRXN1 (neurexin 1; minus strand). Cytogenetic location: 2p16.3.
Variant type: single nucleotide variant.
Coding change: c.1640A>T on transcript NM_001330078.2 (MANE Select); coding-DNA position 1640, A replaced by T.
Protein change: p.Asp547Val; replaces aspartic acid 547 with valine.
Molecular consequence: missense variant.
Genome position (GRCh38, 1-based): chr2:50,552,706, T>A on the plus strand (A>T on the coding strand, the complement: NRXN1 is on the minus strand). VCF-style: chr2-50552706-T-A. GRCh37 (hg19) VCF-style: chr2-50779844-T-A.
Other names: c.1760A>T, p.Asp587Val (NM_001135659.3); c.1616A>T, p.Asp539Val (NM_001330077.2, NM_001330082.2, NM_001330095.2); c.1601A>T, p.Asp534Val (NM_001330083.2, NM_001330084.2); c.1640A>T, p.Asp547Val (NM_001330085.2, NM_001330086.2, NM_004801.6); c.1556A>T, p.Asp519Val (NM_001330087.2, NM_001330096.2); c.1586A>T, p.Asp529Val (NM_001330088.2); c.1637A>T, p.Asp546Val (NM_001330093.2); c.1628A>T, p.Asp543Val (NM_001330094.2); short protein forms D534V, D546V, D519V, D547V, D587V, D543V, D529V, D539V.
Identifiers: ClinVar variation 4763718 (VCV004763718.1).